The following is an entry in ClinVar:

ClinVar aggregate classification (germline): Uncertain significance. Review status: criteria provided, multiple submitters, no conflicts (2 of 4 stars). 2 submissions from 2 submitters: Uncertain significance (2). Last evaluated 2024-12-03.

Conditions:
Epidermolysis bullosa simplex, Ogna type (EBS5A). Also called: Pidermolysis bullosa simplex 5A, Ogna type; EPIDERMOLYSIS BULLOSA SIMPLEX 5A, OGNA TYPE. Identifiers: Orphanet 79401, MedGen C0432317, MONDO:0007555, OMIM 131950.
Autosomal recessive limb-girdle muscular dystrophy type 2Q (LGMDR17). Also called: MUSCULAR DYSTROPHY, LIMB-GIRDLE, AUTOSOMAL RECESSIVE 17. Identifiers: Orphanet 254361, MedGen C3150989, MONDO:0013390, OMIM 613723.
Epidermolysis bullosa simplex with nail dystrophy (EBS5D). Identifiers: MedGen C4225309, MONDO:0014661, OMIM 616487.
Epidermolysis bullosa simplex 5B, with muscular dystrophy (EBS5B). Also called: Epidermolysis bullosa simplex with muscular dystrophy; EPIDERMOLYSIS BULLOSA SIMPLEX AND LIMB-GIRDLE MUSCULAR DYSTROPHY. Identifiers: Orphanet 257, MedGen C2931072, MONDO:0009181, OMIM 226670.
Epidermolysis bullosa simplex 5C, with pyloric atresia (EBS5C). Also called: PLEC-Related Epidermolysis Bullosa with Pyloric Atresia; PLEC1-Related Epidermolysis Bullosa with Pyloric Atresia; Epidermolysis bullosa simplex with pyloric atresia. Identifiers: Orphanet 158684, MedGen C2677349, MONDO:0012807, OMIM 612138.

Allele frequency attached by ClinVar (database versions not stated): gnomAD exomes 0.00001 and 0.00002; ExAC 0.00002; TOPMed 0.00004; gnomAD 0.00008 and 0.00009.
gnomAD v4.1: 46 of 1,613,400 alleles (0.0029%); highest among the groups gnomAD compares: African/African-American, 0.015%; no homozygotes.

Submissions (2):

Labcorp Genetics (formerly Invitae), Labcorp
Classification: Uncertain significance for Autosomal recessive limb-girdle muscular dystrophy type 2Q; Epidermolysis bullosa simplex, Ogna type; Epidermolysis bullosa simplex with nail dystrophy; Epidermolysis bullosa simplex 5C, with pyloric atresia; Epidermolysis bullosa simplex 5B, with muscular dystrophy. Last evaluated: 2024-12-03. Review status: criteria provided, single submitter. Criteria: Invitae Variant Classification Sherloc (09022015). Collection method: clinical testing. Allele origin: germline.
Comment: This sequence change replaces arginine, which is basic and polar, with glutamine, which is neutral and polar, at codon 2476 of the PLEC protein (p.Arg2476Gln). This variant is present in population databases (rs782523623, gnomAD 0.008%). This variant has not been reported in the literature in individuals affected with PLEC-related conditions. ClinVar contains an entry for this variant (Variation ID: 662778). An algorithm developed to predict the effect of missense changes on protein structure and function (PolyPhen-2) suggests that this variant is likely to be disruptive. In summary, the available evidence is currently insufficient to determine the role of this variant in disease. Therefore, it has been classified as a Variant of Uncertain Significance.

Breakthrough Genomics
Classification: Uncertain significance. Review status: criteria provided, single submitter. Criteria: ACMG Guidelines, 2015. Collection method: not provided. Allele origin: germline. Inheritance: Autosomal recessive inheritance. Affected: yes.

NM_201384.3(PLEC):c.7346G>A (p.Arg2449Gln)

Gene: PLEC (plectin; minus strand). Cytogenetic location: 8q24.3.
Variant type: single nucleotide variant.
Coding change: c.7346G>A on transcript NM_201384.3 (MANE Select); coding-DNA position 7346, G replaced by A.
Protein change: p.Arg2449Gln; replaces arginine 2449 with glutamine.
Molecular consequence: missense variant.
Genome position (GRCh38, 1-based): chr8:143,922,583, C>T on the plus strand (G>A on the coding strand, the complement: PLEC is on the minus strand). VCF-style: chr8-143922583-C-T. GRCh37 (hg19) VCF-style: chr8-144996751-C-T.
Other names: c.7427G>A, p.Arg2476Gln (NM_000445.5); c.7304G>A, p.Arg2435Gln (NM_201378.4); c.7280G>A, p.Arg2427Gln (NM_201379.3); c.7757G>A, p.Arg2586Gln (NM_201380.4); c.7250G>A, p.Arg2417Gln (NM_201381.3); c.7346G>A, p.Arg2449Gln (NM_201382.4); c.7358G>A, p.Arg2453Gln (NM_201383.3); short protein forms R2427Q, R2586Q, R2435Q, R2453Q, R2417Q, R2449Q, R2476Q.
Identifiers: ClinVar variation 662778 (VCV000662778.9), dbSNP rs782523623, ClinGen allele CA4925680.